The following is an entry in ClinVar:

ClinVar aggregate classification (germline): Uncertain significance (0 of 4 stars; one submission).

gnomAD v4.1: 5 of 1,613,626 alleles (0.00031%); highest among the groups gnomAD compares: South Asian, 0.0044%; no homozygotes.

Submission:

Department of Pathology and Laboratory Medicine, Sinai Health System
Classification: Uncertain significance. Review status: no assertion criteria provided. Collection method: clinical testing. Allele origin: unknown. Affected: yes. Study: The Canadian Open Genetics Repository (COGR).
Comment: The KRT86 c.735+4C>A variant was not identified in the literature nor was it identified in ClinVar. The variant was identified in dbSNP (ID: rs768312774) and in control databases in 1 of 251244 chromosomes at a frequency of 0.00000398 (Genome Aggregation Database March 6, 2019, v2.1.1). The variant was observed in the South Asian population in 1 of 30616 chromosomes (freq: 0.000033), but was not observed in the African, Latino, Ashkenazi Jewish, East Asian, European (Finnish), European (non-Finnish), or Other populations. The c.735+4C>A variant is located in the 5' splice region but does not affect the invariant +1 and +2 positions. However, positions +3 to +6 are part of the splicing consensus sequence and variants involving these positions sometimes affect splicing. In addition, in silico or computational prediction software programs (SpliceSiteFinder, MaxEntScan, NNSPLICE, GeneSplicer) predict a difference in splicing, however this has not been confirmed by RNA analysis. In summary, based on the above information the clinical significance of this variant cannot be determined with certainty at this time. This variant is classified as a variant of uncertain significance.

NM_001320198.2(KRT86):c.735+4C>A

Genes: KRT81 (keratin 81; minus strand), KRT86 (keratin 86; plus strand). Cytogenetic location: 12q13.13.
Variant type: single nucleotide variant.
Coding change: c.735+4C>A on transcript NM_001320198.2 (MANE Select); 4 bases into the intron after coding-DNA position 735, C replaced by A.
Molecular consequence: intron variant.
Genome position (GRCh38, 1-based): chr12:52,305,031, C>A. VCF-style: chr12-52305031-C-A. GRCh37 (hg19) VCF-style: chr12-52698815-C-A.
Identifiers: ClinVar variation 1049692 (VCV001049692.1), dbSNP rs768312774, ClinGen allele CA605073503.